The following is an entry in ClinVar:

ClinVar aggregate classification (germline): Uncertain significance (1 of 4 stars; one submission).

Conditions:
DICER1-related tumor predisposition. Also called: DICER1-related pleuropulmonary blastoma cancer predisposition syndrome; DICER1 syndrome. Identifiers: Orphanet 284343, MedGen C3839822, MONDO:0100216.

Submission:

Labcorp Genetics (formerly Invitae), Labcorp
Classification: Uncertain significance for DICER1-related tumor predisposition. Last evaluated: 2025-08-20. Review status: criteria provided, single submitter. Criteria: Invitae Variant Classification Sherloc (09022015). Collection method: clinical testing. Allele origin: germline.
Comment: This sequence change replaces isoleucine, which is neutral and non-polar, with asparagine, which is neutral and polar, at codon 333 of the DICER1 protein (p.Ile333Asn). This variant is not present in population databases (gnomAD no frequency). This variant has not been reported in the literature in individuals affected with DICER1-related conditions. Invitae Evidence Modeling of protein sequence and biophysical properties (such as structural, functional, and spatial information, amino acid conservation, physicochemical variation, residue mobility, and thermodynamic stability) indicates that this missense variant is not expected to disrupt DICER1 protein function with a negative predictive value of 95%. In summary, the available evidence is currently insufficient to determine the role of this variant in disease. Therefore, it has been classified as a Variant of Uncertain Significance.

NM_177438.3(DICER1):c.998T>A (p.Ile333Asn)

Gene: DICER1 (dicer 1, ribonuclease III; minus strand). Cytogenetic location: 14q32.13.
Variant type: single nucleotide variant.
Coding change: c.998T>A on transcript NM_177438.3 (MANE Select); coding-DNA position 998, T replaced by A.
Protein change: p.Ile333Asn; replaces isoleucine 333 with asparagine.
Molecular consequence: missense variant. On other transcripts: non-coding transcript variant (6), 5 prime UTR variant (1).
Genome position (GRCh38, 1-based): chr14:95,124,574, A>T on the plus strand (T>A on the coding strand, the complement: DICER1 is on the minus strand). VCF-style: chr14-95124574-A-T. GRCh37 (hg19) VCF-style: chr14-95590911-A-T.
Other names: c.998T>A, p.Ile333Asn (NM_001195573.1, NM_001271282.3, NM_001291628.2 and 14 more transcripts); c.716T>A, p.Ile239Asn (NM_001395686.1); c.593T>A, p.Ile198Asn (NM_001395687.1, NM_001395688.1, NM_001395689.1 and 3 more transcripts); c.431T>A, p.Ile144Asn (NM_001395691.1); c.-571T>A (NM_001395697.1); short protein forms I333N, I144N, I198N, I239N.
Identifiers: ClinVar variation 4746783 (VCV004746783.1).
Genomic context (GRCh38, chr14:95,124,574, plus strand): 5'-CTTAGGAAAGTGTCTGTAAACAATAAAAATTTCCTGTGCAGCTCCTCTTGCTCATGTTTG[A>T]TGTATTTCTGTAGTTCTCTTACCATCATTCCAGCTACTTTATCTGCACACCAGGGTCCCA-3'
Protein context (NP_803187.1, residues 323-343): GMMVRELQKY[Ile333Asn]KHEQEELHRK